The following is an entry in ClinVar:

ClinVar aggregate classification (germline): Uncertain significance (1 of 4 stars; one submission).

Conditions:
Hereditary cancer-predisposing syndrome. Also called: Neoplastic Syndromes, Hereditary; Tumor predisposition; Hereditary Cancer Syndrome; Hereditary neoplastic syndrome. Identifiers: Orphanet 140162, MedGen C0027672, MeSH D009386, MONDO:0015356.

Submission:

Ambry Genetics
Classification: Uncertain significance for Hereditary cancer-predisposing syndrome. Last evaluated: 2025-11-29. Review status: criteria provided, single submitter. Criteria: Ambry Variant Classification Scheme 2023. Collection method: clinical testing. Allele origin: germline.
Comment: The p.R493S variant (also known as c.1477C>A), located in coding exon 9 of the ATM gene, results from a C to A substitution at nucleotide position 1477. The arginine at codon 493 is replaced by serine, an amino acid with dissimilar properties. This amino acid position is conserved. In addition, this alteration is predicted to be deleterious by in silico analysis. Based on the available evidence, the clinical significance of this variant remains unclear.

NM_000051.4(ATM):c.1477C>A (p.Arg493Ser)

Gene: ATM (ATM serine/threonine kinase; plus strand). Cytogenetic location: 11q22.3.
Variant type: single nucleotide variant.
Coding change: c.1477C>A on transcript NM_000051.4 (MANE Select); coding-DNA position 1477, C replaced by A.
Protein change: p.Arg493Ser; replaces arginine 493 with serine.
Molecular consequence: missense variant.
Genome position (GRCh38, 1-based): chr11:108,250,942, C>A. VCF-style: chr11-108250942-C-A. GRCh37 (hg19) VCF-style: chr11-108121669-C-A.
Other names: c.1477C>A, p.Arg493Ser (NM_001351834.2); short protein forms R493S.
Identifiers: ClinVar variation 4618634 (VCV004618634.1).